The following is an entry in ClinVar:

ClinVar aggregate classification (germline): Uncertain significance (1 of 4 stars; one submission).

gnomAD v4.1: 2 of 1,243,184 alleles (0.00016%); highest among the groups gnomAD compares: Non-Finnish European, 0.0002%; no homozygotes.

Submission:

Labcorp Genetics (formerly Invitae), Labcorp
Classification: Uncertain significance. Last evaluated: 2023-12-04. Review status: criteria provided, single submitter. Criteria: Invitae Variant Classification Sherloc (09022015). Collection method: clinical testing. Allele origin: germline.
Comment: This sequence change replaces proline, which is neutral and non-polar, with serine, which is neutral and polar, at codon 59 of the FBXO11 protein (p.Pro59Ser). This variant is not present in population databases (gnomAD no frequency). This variant has not been reported in the literature in individuals affected with FBXO11-related conditions. Experimental studies and prediction algorithms are not available or were not evaluated, and the functional significance of this variant is currently unknown. In summary, the available evidence is currently insufficient to determine the role of this variant in disease. Therefore, it has been classified as a Variant of Uncertain Significance.

NM_001190274.2(FBXO11):c.175C>T (p.Pro59Ser)

Gene: FBXO11 (F-box protein 11; minus strand). Cytogenetic location: 2p16.3.
Variant type: single nucleotide variant.
Coding change: c.175C>T on transcript NM_001190274.2 (MANE Select); coding-DNA position 175, C replaced by T.
Protein change: p.Pro59Ser; replaces proline 59 with serine.
Molecular consequence: missense variant.
Genome position (GRCh38, 1-based): chr2:47,905,546, G>A on the plus strand (C>T on the coding strand, the complement: FBXO11 is on the minus strand). VCF-style: chr2-47905546-G-A. GRCh37 (hg19) VCF-style: chr2-48132685-G-A.
Other names: short protein forms P59S.
Identifiers: ClinVar variation 3010078 (VCV003010078.3), dbSNP rs1291866768, ClinGen allele CA346812576.